The following is an entry in ClinVar:

NM_000540.3(RYR1):c.15059G>C (p.Trp5020Ser)

Gene: RYR1 (ryanodine receptor 1; plus strand). Cytogenetic location: 19q13.2.
Variant type: single nucleotide variant.
Coding change: c.15059G>C on transcript NM_000540.3 (MANE Select); coding-DNA position 15059, G replaced by C.
Protein change: p.Trp5020Ser; replaces tryptophan 5020 with serine.
Molecular consequence: missense variant.
Genome position (GRCh38, 1-based): chr19:38,587,362, G>C. VCF-style: chr19-38587362-G-C. GRCh37 (hg19) VCF-style: chr19-39078002-G-C.
Other names: NM_001042723.2:c.15044G>C; c.15044G>C, p.Trp5015Ser (NM_001042723.2); short protein forms W5015S, W5020S.
Identifiers: ClinVar variation 1213822 (VCV001213822.3), dbSNP rs2145922063, ClinGen allele CA405694193.

ClinVar aggregate classification (germline): Uncertain significance (3 of 4 stars; one submission).

Conditions:
Malignant hyperthermia of anesthesia. Also called: Anesthesic-triggered malignant hyperthermia. Identifiers: Orphanet 423, MedGen C0024591, MONDO:0018493, HP:0034733.

Submission:

ClinGen Malignant Hyperthermia Susceptibility Variant Curation Expert Panel, ClinGen
Classification: Uncertain significance for Malignant hyperthermia of anesthesia. Last evaluated: 2025-08-01. Review status: reviewed by expert panel. Criteria: ClinGen MHS ACMG Specifications V2. Collection method: curation. Allele origin: germline. Inheritance: Autosomal dominant inheritance.
Comment: This pathogenicity assessment is relevant only for malignant hyperthermia susceptibility (MHS) inherited in an autosomal dominant pattern. Variants in RYR1 can also cause other myopathies inherited in an autosomal dominant pattern or in an autosomal recessive pattern. Some of these disorders may predispose individuals to malignant hyperthermia. RYR1 variants may also contribute to a malignant hyperthermia reaction in combination with other genetic and non-genetic factors and the clinician needs to consider such factors in making management decisions. This sequence variant predicts a substitution of tryptophan with serine at codon 5020 of the RYR1 protein, p.(Trp5020Ser). This variant was not present in a large population database (gnomAD) at the time this variant was interpreted. This variant was reported in any individuals with a personal or family history of an MH episode without a positive in vitro contracture test (IVCT) or caffeine halothane contracture test (CHCT) result (PMID:24433488), PS4 not met. No functional studies were identified for this variant. This variant does not reside in a hotspot for pathogenic variants that contribute to MHS. A REVEL score >0.85 (0.918) supports a pathogenic status for this variant, PP3_Moderate. This variant has been classified as a Variant of Unknown Significance. Criteria implemented: PP3_Moderate.